The following is an entry in ClinVar:

ClinVar aggregate classification (germline): Uncertain significance. Review status: criteria provided, single submitter (1 of 4 stars). 2 submissions from 2 submitters: Uncertain significance (1). 1 of the submissions does not count toward it. Last evaluated 2025-09-30.

Conditions:
Atypical hemolytic-uremic syndrome. Identifiers: Orphanet 2134, MedGen C2931788, MONDO:0016244.
Atypical hemolytic-uremic syndrome with C3 anomaly. Also called: AHUS, SUSCEPTIBILITY TO, 5. Identifiers: Orphanet 2134, MedGen C2752037, MONDO:0013043, OMIM 612925.

Submissions (2):

Genomenon, Inc
Classification: Uncertain significance for Atypical hemolytic-uremic syndrome. Last evaluated: 2025-09-30. Review status: criteria provided, single submitter. Criteria: Genomenon Sequence Variant Interpretation Standards. Collection method: curation. Allele origin: germline. Affected: yes.
Comment: C3 p.Tyr854Ter (c.2562C>G) is a nonsense variant that introduces a premature stop codon at amino acid position 854. This variant has been observed in at least one proband affected with atypical hemolytic-uremic syndrome (PMID:18796626). It is absent or not present at a significant frequency in gnomAD. In conclusion, we classify C3 p.Tyr854Ter (c.2562C>G) as a variant of uncertain significance.

OMIM
Classification: risk factor for HEMOLYTIC UREMIC SYNDROME, ATYPICAL, SUSCEPTIBILITY TO, 5. Last evaluated: 2008-12-15. Review status: no assertion criteria provided. Collection method: literature only. Allele origin: germline. Not counted in ClinVar's aggregate classification.

Literature cited by the submitters: PubMed 18796626 (cited by Genomenon, Inc and OMIM).

NM_000064.4(C3):c.2562C>G (p.Tyr854Ter)

Gene: C3 (complement C3; minus strand). Cytogenetic location: 19p13.3.
Variant type: single nucleotide variant.
Coding change: c.2562C>G on transcript NM_000064.4 (MANE Select); coding-DNA position 2562, C replaced by G.
Protein change: p.Tyr854Ter; replaces tyrosine 854 with a stop codon.
Molecular consequence: nonsense.
Genome position (GRCh38, 1-based): chr19:6,697,673, G>C on the plus strand (C>G on the coding strand, the complement: C3 is on the minus strand). VCF-style: chr19-6697673-G-C. GRCh37 (hg19) VCF-style: chr19-6697684-G-C.
Other names: C3, TYR832TER; Y832*; c.2562C>G, p.Tyr854Ter (LRG_27t1); short protein forms Y854*.
Identifiers: ClinVar variation 17063 (VCV000017063.2), dbSNP rs121909586, ClinGen allele CA257697.